The following is an entry in ClinVar:

NM_006445.4(PRPF8):c.1420C>T (p.Arg474Cys)

Gene: PRPF8 (pre-mRNA processing factor 8; minus strand). Cytogenetic location: 17p13.3.
Variant type: single nucleotide variant.
Coding change: c.1420C>T on transcript NM_006445.4 (MANE Select); coding-DNA position 1420, C replaced by T.
Protein change: p.Arg474Cys; replaces arginine 474 with cysteine.
Molecular consequence: missense variant.
Genome position (GRCh38, 1-based): chr17:1,679,196, G>A on the plus strand (C>T on the coding strand, the complement: PRPF8 is on the minus strand). VCF-style: chr17-1679196-G-A. GRCh37 (hg19) VCF-style: chr17-1582490-G-A.
Other names: c.1420C>T (NM_006445.3); short protein forms R474C.
Identifiers: ClinVar variation 1379451 (VCV001379451.9), dbSNP rs755296299, ClinGen allele CA8272339.

ClinVar aggregate classification (germline): Uncertain significance. Review status: criteria provided, multiple submitters, no conflicts (2 of 4 stars). 2 submissions from 2 submitters: Uncertain significance (2). Last evaluated 2025-08-26.

Conditions:
Inborn genetic diseases. Identifiers: MedGen C0950123, MeSH D030342.

Allele frequency attached by ClinVar (database versions not stated): gnomAD 0.00003 and 0.00004; gnomAD exomes 0.00003; ExAC 0.00004; TOPMed 0.00004.
gnomAD v4.1: 35 of 1,614,032 alleles (0.0022%); highest among the groups gnomAD compares: Admixed American, 0.0083%; no homozygotes.

Submissions (2):

Labcorp Genetics (formerly Invitae), Labcorp
Classification: Uncertain significance. Last evaluated: 2025-08-26. Review status: criteria provided, single submitter. Criteria: Invitae Variant Classification Sherloc (09022015). Collection method: clinical testing. Allele origin: germline.
Comment: This sequence change replaces arginine, which is basic and polar, with cysteine, which is neutral and slightly polar, at codon 474 of the PRPF8 protein (p.Arg474Cys). This variant is present in population databases (rs755296299, gnomAD 0.02%). This variant has not been reported in the literature in individuals affected with PRPF8-related conditions. ClinVar contains an entry for this variant (Variation ID: 1379451). Invitae Evidence Modeling of protein sequence and biophysical properties (such as structural, functional, and spatial information, amino acid conservation, physicochemical variation, residue mobility, and thermodynamic stability) indicates that this missense variant is not expected to disrupt PRPF8 protein function with a negative predictive value of 80%. In summary, the available evidence is currently insufficient to determine the role of this variant in disease. Therefore, it has been classified as a Variant of Uncertain Significance.

Ambry Genetics
Classification: Uncertain significance for Inborn genetic diseases. Last evaluated: 2021-09-16. Review status: criteria provided, single submitter. Criteria: Ambry Variant Classification Scheme 2023. Collection method: clinical testing. Allele origin: germline.